The following is an entry in ClinVar:

ClinVar aggregate classification (germline): Likely benign. Review status: criteria provided, multiple submitters, no conflicts (2 of 4 stars). 3 submissions from 3 submitters: Likely benign (3). Last evaluated 2025-11-17.

Conditions:
FOXC1-related disorder. Also called: FOXC1-related condition.
Axenfeld-Rieger syndrome type 3 (RIEG3). Also called: AXENFELD-RIEGER ANOMALY WITH CARDIAC DEFECTS AND/OR SENSORINEURAL HEARING LOSS. Identifiers: Orphanet 782, MedGen C2678503, MONDO:0011233, OMIM 602482.

Allele frequency attached by ClinVar (database versions not stated): TOPMed 0.00020; gnomAD exomes 0.00002; ExAC 0.00008; gnomAD 0.00017.
gnomAD v4.1: 53 of 1,541,284 alleles (0.0034%); highest among the groups gnomAD compares: African/African-American, 0.049%; no homozygotes.

Submissions (3):

Labcorp Genetics (formerly Invitae), Labcorp
Classification: Likely benign for Axenfeld-Rieger syndrome type 3. Last evaluated: 2025-11-17. Review status: criteria provided, single submitter. Criteria: Invitae Variant Classification Sherloc (09022015). Collection method: clinical testing. Allele origin: germline.

PreventionGenetics, part of Exact Sciences
Classification: Likely benign for FOXC1-related condition. Last evaluated: 2025-05-07. Review status: criteria provided, single submitter. Criteria: ACMG Guidelines, 2015. Collection method: clinical testing. Allele origin: germline.
Comment: This variant is classified as likely benign based on ACMG/AMP sequence variant interpretation guidelines (Richards et al. 2015 PMID: 25741868, with internal and published modifications).

GeneDx
Classification: Likely benign. Last evaluated: 2016-08-05. Review status: criteria provided, single submitter. Criteria: GeneDx Variant Classification (06012015). Collection method: clinical testing. Allele origin: germline. Affected: yes.
Comment: This variant is considered likely benign or benign based on one or more of the following criteria: it is a conservative change, it occurs at a poorly conserved position in the protein, it is predicted to be benign by multiple in silico algorithms, and/or has population frequency not consistent with disease.

NM_001453.3(FOXC1):c.1443C>T (p.Asp481=)

Gene: FOXC1 (forkhead box C1; plus strand). Cytogenetic location: 6p25.3.
Variant type: single nucleotide variant.
Coding change: c.1443C>T on transcript NM_001453.3 (MANE Select); coding-DNA position 1443, C replaced by T.
Protein change: p.Asp481=; no amino-acid change (aspartic acid 481 retained).
Molecular consequence: synonymous variant.
Genome position (GRCh38, 1-based): chr6:1,611,888, C>T. VCF-style: chr6-1611888-C-T. GRCh37 (hg19) VCF-style: chr6-1612123-C-T.
Identifiers: ClinVar variation 388537 (VCV000388537.6), dbSNP rs183970787, ClinGen allele CA3614894.